The following is an entry in ClinVar:

ClinVar aggregate classification (germline): Conflicting classifications of pathogenicity. Review status: criteria provided, conflicting classifications (1 of 4 stars). 3 submissions from 3 submitters: Likely pathogenic (1); Uncertain significance (2). Last evaluated 2025-06-12.

Conditions:
Cardiovascular phenotype. Identifiers: MedGen CN230736.
Long QT syndrome (LQTS). Identifiers: MedGen C0023976, MeSH D008133, MONDO:0002442. Disease mechanism: loss of function. Inheritance: Various modes of inheritance.

Allele frequency attached by ClinVar (database versions not stated): TOPMed below 0.00001.

Submissions (3):

Ambry Genetics
Classification: Likely pathogenic for Cardiovascular phenotype. Last evaluated: 2025-06-12. Review status: criteria provided, single submitter. Criteria: Ambry Variant Classification Scheme 2023. Collection method: clinical testing. Allele origin: germline.
Comment: The c.3484G>A (p.V1162M) alteration is located in exon 27 (coding exon 27) of the CACNA1C gene. This alteration results from a G to A substitution at nucleotide position 3484, causing the valine (V) at amino acid position 1162 to be replaced by a methionine (M). for CACNA1C-related neurodevelopmental disorder; however, its clinical significance for CACNA1C-related long QT syndrome / Timothy syndrome is uncertain. This variant was not reported in population-based cohorts in the Genome Aggregation Database (gnomAD). This amino acid position is well conserved in available vertebrate species. This missense alteration is located in a region that has a low rate of benign missense variation (Lek, 2016; Firth, 2009). This alteration is predicted to be deleterious by in silico analysis. Based on the available evidence, this alteration is classified as likely pathogenic.

GeneDx
Classification: Uncertain significance. Last evaluated: 2024-07-09. Review status: criteria provided, single submitter. Criteria: GeneDx Variant Classification Process June 2021. Collection method: clinical testing. Allele origin: germline. Affected: yes.
Comment: Not observed at significant frequency in large population cohorts (gnomAD); In silico analysis supports that this missense variant has a deleterious effect on protein structure/function; Has not been previously published as pathogenic or benign to our knowledge

Labcorp Genetics (formerly Invitae), Labcorp
Classification: Uncertain significance for Long QT syndrome. Last evaluated: 2023-06-20. Review status: criteria provided, single submitter. Criteria: Invitae Variant Classification Sherloc (09022015). Collection method: clinical testing. Allele origin: germline.
Comment: This sequence change replaces valine, which is neutral and non-polar, with methionine, which is neutral and non-polar, at codon 1162 of the CACNA1C protein (p.Val1162Met). This variant is not present in population databases (gnomAD no frequency). This variant has not been reported in the literature in individuals affected with CACNA1C-related conditions. Advanced modeling of protein sequence and biophysical properties (such as structural, functional, and spatial information, amino acid conservation, physicochemical variation, residue mobility, and thermodynamic stability) performed at Invitae indicates that this missense variant is expected to disrupt CACNA1C protein function. In summary, the available evidence is currently insufficient to determine the role of this variant in disease. Therefore, it has been classified as a Variant of Uncertain Significance.

NM_000719.7(CACNA1C):c.3484G>A (p.Val1162Met)

Gene: CACNA1C (calcium voltage-gated channel subunit alpha1 C; plus strand). Cytogenetic location: 12p13.33.
Variant type: single nucleotide variant.
Coding change: c.3484G>A on transcript NM_000719.7 (MANE Select); coding-DNA position 3484, G replaced by A.
Protein change: p.Val1162Met; replaces valine 1162 with methionine.
Molecular consequence: missense variant.
Genome position (GRCh38, 1-based): chr12:2,608,638, G>A. VCF-style: chr12-2608638-G-A. GRCh37 (hg19) VCF-style: chr12-2717804-G-A.
Other names: c.3544G>A, p.Val1182Met (NM_001129827.2, NM_001129832.2, NM_199460.4); c.3484G>A, p.Val1162Met (NM_001129829.2, NM_001129830.3, NM_001129831.2 and 15 more transcripts); c.3475G>A, p.Val1159Met (NM_001129844.2); short protein forms V1182M, V1159M, V1162M.
Identifiers: ClinVar variation 2712637 (VCV002712637.5), dbSNP rs2076324884, ClinGen allele CA383375517.